The following is an entry in ClinVar:

NM_004977.3(KCNC3):c.1505C>T (p.Thr502Met)

Gene: KCNC3 (potassium voltage-gated channel subfamily C member 3; minus strand). Cytogenetic location: 19q13.33.
Variant type: single nucleotide variant.
Coding change: c.1505C>T on transcript NM_004977.3 (MANE Select); coding-DNA position 1505, C replaced by T.
Protein change: p.Thr502Met; replaces threonine 502 with methionine.
Molecular consequence: missense variant.
Genome position (GRCh38, 1-based): chr19:50,323,448, G>A on the plus strand (C>T on the coding strand, the complement: KCNC3 is on the minus strand). VCF-style: chr19-50323448-G-A. GRCh37 (hg19) VCF-style: chr19-50826705-G-A.
Other names: c.1277C>T, p.Thr426Met (NM_001372305.1); short protein forms T426M, T502M.
Identifiers: ClinVar variation 1305210 (VCV001305210.2), dbSNP rs2123534422, ClinGen allele CA406950975.

ClinVar aggregate classification (germline): Uncertain significance (1 of 4 stars; one submission).

Allele frequency attached by ClinVar (database versions not stated): gnomAD exomes below 0.00001.
gnomAD v4.1: 1 of 1,614,198 alleles (0.000062%); highest among the groups gnomAD compares: Non-Finnish European, 0.000085%; no homozygotes.

Submission:

GeneDx
Classification: Uncertain significance. Last evaluated: 2019-04-26. Review status: criteria provided, single submitter. Criteria: GeneDx Variant Classification Process June 2021. Collection method: clinical testing. Allele origin: germline. Affected: yes.
Comment: Not observed in large population cohorts (Lek et al., 2016); In silico analysis, which includes protein predictors and evolutionary conservation, supports a deleterious effect; Has not been previously published as pathogenic or benign to our knowledge